The following is an entry in ClinVar:

NM_020297.4(ABCC9):c.4157G>A (p.Arg1386His)

Genes: ABCC9 (ATP binding cassette subfamily C member 9; minus strand), KCNJ8-AS1 (KCNJ8 antisense RNA 1; plus strand). Cytogenetic location: 12p12.1.
Variant type: single nucleotide variant.
Coding change: c.4157G>A on transcript NM_020297.4 (MANE Select); coding-DNA position 4157, G replaced by A.
Protein change: p.Arg1386His; replaces arginine 1386 with histidine.
Molecular consequence: missense variant.
Genome position (GRCh38, 1-based): chr12:21,812,103, C>T on the plus strand (G>A on the coding strand, the complement: ABCC9 is on the minus strand). VCF-style: chr12-21812103-C-T. GRCh37 (hg19) VCF-style: chr12-21965037-C-T.
Other names: c.4157G>A, p.Arg1386His (NM_001377273.1, NM_005691.4); c.3290G>A, p.Arg1097His (NM_001377274.1); c.4157G>A (NM_020297.2); short protein forms R1386H, R1097H.
Identifiers: ClinVar variation 180252 (VCV000180252.5), dbSNP rs730880035, ClinGen allele CA346136.

ClinVar aggregate classification (germline): Uncertain significance. Review status: criteria provided, multiple submitters, no conflicts (2 of 4 stars). 2 submissions from 2 submitters: Uncertain significance (2). Last evaluated 2023-10-10.

Conditions:
Dilated cardiomyopathy 1O (CMD1O). Also called: CARDIOMYOPATHY, DILATED, WITH VENTRICULAR TACHYCARDIA. Identifiers: Orphanet 154, MedGen C1837839, MONDO:0012062, OMIM 608569.

Allele frequency attached by ClinVar (database versions not stated): gnomAD exomes below 0.00001; TOPMed 0.00001.
gnomAD v4.1: 3 of 1,613,408 alleles (0.00019%); highest among the groups gnomAD compares: Non-Finnish European, 0.00017%; no homozygotes.

Submissions (2):

Labcorp Genetics (formerly Invitae), Labcorp
Classification: Uncertain significance for Dilated cardiomyopathy 1O. Last evaluated: 2023-10-10. Review status: criteria provided, single submitter. Criteria: Invitae Variant Classification Sherloc (09022015). Collection method: clinical testing. Allele origin: germline.
Comment: This sequence change replaces arginine, which is basic and polar, with histidine, which is basic and polar, at codon 1386 of the ABCC9 protein (p.Arg1386His). This variant is not present in population databases (gnomAD no frequency). This variant has not been reported in the literature in individuals affected with ABCC9-related conditions. ClinVar contains an entry for this variant (Variation ID: 180252). Advanced modeling of protein sequence and biophysical properties (such as structural, functional, and spatial information, amino acid conservation, physicochemical variation, residue mobility, and thermodynamic stability) performed at Invitae indicates that this missense variant is expected to disrupt ABCC9 protein function. In summary, the available evidence is currently insufficient to determine the role of this variant in disease. Therefore, it has been classified as a Variant of Uncertain Significance.

GeneDx
Classification: Uncertain significance. Last evaluated: 2022-11-18. Review status: criteria provided, single submitter. Criteria: GeneDx Variant Classification Process June 2021. Collection method: clinical testing. Allele origin: germline. Affected: yes.
Comment: Not observed at significant frequency in large population cohorts (gnomAD); In silico analysis supports that this missense variant has a deleterious effect on protein structure/function; Has not been previously published as pathogenic or benign to our knowledge